The following is an entry in ClinVar:

NM_014252.4(SLC25A15):c.315-2A>C

Gene: SLC25A15 (solute carrier family 25 member 15; plus strand). Cytogenetic location: 13q14.11.
Variant type: single nucleotide variant.
Coding change: c.315-2A>C on transcript NM_014252.4 (MANE Select); the canonical splice acceptor site of the intron before coding-DNA position 315, A replaced by C.
Molecular consequence: splice acceptor variant.
Genome position (GRCh38, 1-based): chr13:40,805,116, A>C. VCF-style: chr13-40805116-A-C. GRCh37 (hg19) VCF-style: chr13-41379252-A-C.
Other names: c.315-2A>C (NM_014252.3).
Identifiers: ClinVar variation 2678854 (VCV002678854.2), dbSNP rs1226613511, ClinGen allele CA387917685.

ClinVar aggregate classification (germline): Likely pathogenic. Review status: criteria provided, multiple submitters, no conflicts (2 of 4 stars). 2 submissions from 2 submitters: Likely pathogenic (2). Last evaluated 2024-10-16.

Conditions:
Hyperornithinemia-hyperammonemia-homocitrullinuria syndrome (HHHS). Also called: Ornithine translocase deficiency; HHH SYNDROME. Identifiers: Orphanet 415, MedGen C0268540, MONDO:0009393, OMIM 238970.

gnomAD v4.1: 2 of 1,614,048 alleles (0.00012%); highest among the groups gnomAD compares: South Asian, 0.0011%; no homozygotes.

Submissions (2):

Natera, Inc.
Classification: Likely pathogenic for Hyperornithinemia-hyperammonemia-homocitrullinuria syndrome. Last evaluated: 2024-10-16. Review status: criteria provided, single submitter. Criteria: Natera Variant Classification Schema (03/2026). Collection method: clinical testing. Allele origin: germline.
Comment: The c.315-2A>C variant in SLC25A15 is a canonical splice acceptor site variant predicted to affect pre-mRNA splicing, which may result in an abnormal transcript and altered protein product. This variant is expected to result in nonsense mediated decay, truncation, or a dysfunctional protein product. This variant is rare in the general population with a frequency below the threshold expected for the associated phenotype(s). Given the available evidence, this variant is classified as Likely Pathogenic.

Baylor Genetics
Classification: Likely pathogenic for Hyperornithinemia-hyperammonemia-homocitrullinuria syndrome. Last evaluated: 2023-03-26. Review status: criteria provided, single submitter. Criteria: ACMG Guidelines, 2015. Collection method: clinical testing. Allele origin: unknown.